The following is an entry in ClinVar:

ClinVar aggregate classification (germline): Likely benign. Review status: criteria provided, single submitter (1 of 4 stars). 2 submissions from 2 submitters: Likely benign (1). 1 of the submissions does not count toward it. Last evaluated 2025-06-24.

Conditions:
LFNG-related disorder. Also called: LFNG-related condition.
Spondylocostal dysostosis 3, autosomal recessive (SCDO3). Also called: LFNG-Related Spondylocostal Dysostosis, Autosomal Recessive. Identifiers: Orphanet 2311, MedGen C1853296, MONDO:0012349, OMIM 609813.

Allele frequency attached by ClinVar (database versions not stated): ExAC 0.00006; gnomAD 0.00009; TOPMed 0.00011; 1000 Genomes Project 30x 0.00016; 1000 Genomes Project 0.00020.
gnomAD v4.1: 57 of 1,613,034 alleles (0.0035%); highest among the groups gnomAD compares: African/African-American, 0.029%; no homozygotes.

Submissions (2):

Labcorp Genetics (formerly Invitae), Labcorp
Classification: Likely benign for Spondylocostal dysostosis 3, autosomal recessive. Last evaluated: 2025-06-24. Review status: criteria provided, single submitter. Criteria: Invitae Variant Classification Sherloc (09022015). Collection method: clinical testing. Allele origin: germline.

PreventionGenetics, part of Exact Sciences
Classification: Likely benign for LFNG-related condition. Last evaluated: 2019-03-27. Review status: no assertion criteria provided. Collection method: clinical testing. Allele origin: germline. Not counted in ClinVar's aggregate classification.
Comment: This variant is classified as likely benign based on ACMG/AMP sequence variant interpretation guidelines (Richards et al. 2015 PMID: 25741868, with internal and published modifications).

NM_001040167.2(LFNG):c.765C>T (p.Gly255=)

Gene: LFNG (LFNG O-fucosylpeptide 3-beta-N-acetylglucosaminyltransferase; plus strand). Cytogenetic location: 7p22.3.
Variant type: single nucleotide variant.
Coding change: c.765C>T on transcript NM_001040167.2 (MANE Select); coding-DNA position 765, C replaced by T.
Protein change: p.Gly255=; no amino-acid change (glycine 255 retained).
Molecular consequence: synonymous variant.
Genome position (GRCh38, 1-based): chr7:2,525,714, C>T. VCF-style: chr7-2525714-C-T. GRCh37 (hg19) VCF-style: chr7-2565348-C-T.
Other names: c.765C>T, p.Gly255= (NM_001040168.2); c.552C>T, p.Gly184= (NM_001166355.2); c.378C>T, p.Gly126= (NM_002304.3); c.765C>T (NM_001040167.1).
Identifiers: ClinVar variation 2059942 (VCV002059942.6), dbSNP rs201724400, ClinGen allele CA4127125.